The following is an entry in ClinVar:

ClinVar aggregate classification (germline): Conflicting classifications of pathogenicity. Review status: criteria provided, conflicting classifications (1 of 4 stars). 5 submissions from 5 submitters: Uncertain significance (2); Benign (1); Likely benign (2). Last evaluated 2026-01-28.

Conditions:
Alstrom syndrome (ALMS). Identifiers: Orphanet 64, MedGen C0268425, MONDO:0008763, OMIM 203800.
Cardiovascular phenotype. Identifiers: MedGen CN230736.

Allele frequency attached by ClinVar (database versions not stated): gnomAD 0.00001 and 0.00004; TOPMed 0.00001; ExAC 0.00004; gnomAD exomes 0.00006; 1000 Genomes Project 30x 0.00031; 1000 Genomes Project 0.00040.
gnomAD v4.1: 25 of 1,613,762 alleles (0.0015%); highest among the groups gnomAD compares: East Asian, 0.042%; no homozygotes.

Submissions (5):

Labcorp Genetics (formerly Invitae), Labcorp
Classification: Benign for Alstrom syndrome. Last evaluated: 2026-01-28. Review status: criteria provided, single submitter. Criteria: Invitae Variant Classification Sherloc (09022015). Collection method: clinical testing. Allele origin: germline.

Women's Health and Genetics/Laboratory Corporation of America, LabCorp
Classification: Uncertain significance. Last evaluated: 2025-09-08. Review status: criteria provided, single submitter. Criteria: LabCorp Variant Classification Summary - May 2015. Collection method: clinical testing. Allele origin: germline.
Comment: Variant summary: ALMS1 c.4973C>A (p.Pro1658Gln) results in a non-conservative amino acid change located in the Alstrom syndrome repeat (IPR040972) of the encoded protein sequence. Algorithms developed to predict the effect of missense changes on protein structure and function are either unavailable or do not agree on the potential impact of this missense change. The variant allele was found at a frequency of 6.4e-05 in 249012 control chromosomes. This frequency is not significantly higher than estimated for disease-causing variants in ALMS1, allowing no conclusion about variant significance. c.4973C>A has been observed in at least one individual affected with Alstrom Syndrome (Marshall_2015). This report, however, does not provide unequivocal conclusions about association of the variant with Alstrom syndrome with dilated cardiomyopathy. To our knowledge, no experimental evidence demonstrating an impact on protein function has been reported. The following publications have been ascertained in the context of this evaluation (PMID: 25846608, 30826590). ClinVar contains an entry for this variant (Variation ID: 529389). Based on the evidence outlined above, the variant was classified as uncertain significance.

Blueprint Genetics
Classification: Uncertain significance. Last evaluated: 2022-09-19. Review status: criteria provided, single submitter. Criteria: ACMG Guidelines, 2015. Collection method: clinical testing. Allele origin: germline.

Ambry Genetics
Classification: Likely benign for Cardiovascular phenotype. Last evaluated: 2021-10-29. Review status: criteria provided, single submitter. Criteria: Ambry Variant Classification Scheme 2023. Collection method: clinical testing. Allele origin: germline.

GeneDx
Classification: Likely benign. Last evaluated: 2019-12-31. Review status: criteria provided, single submitter. Criteria: GeneDx Variant Classification Process June 2021. Collection method: clinical testing. Allele origin: germline. Affected: yes.

Literature cited by the submitters: PubMed 25846608 (cited by Women's Health and Genetics/Laboratory Corporation of America, LabCorp); PubMed 30826590 (cited by Women's Health and Genetics/Laboratory Corporation of America, LabCorp); PubMed 28518168 (cited by Ambry Genetics); PubMed 32461654 (cited by Ambry Genetics).

NM_001378454.1(ALMS1):c.4976C>A (p.Pro1659Gln)

Gene: ALMS1 (ALMS1 centrosome and basal body associated protein; plus strand). Cytogenetic location: 2p13.1.
Variant type: single nucleotide variant.
Coding change: c.4976C>A on transcript NM_001378454.1 (MANE Select); coding-DNA position 4976, C replaced by A.
Protein change: p.Pro1659Gln; replaces proline 1659 with glutamine.
Molecular consequence: missense variant.
Genome position (GRCh38, 1-based): chr2:73,451,503, C>A. VCF-style: chr2-73451503-C-A. GRCh37 (hg19) VCF-style: chr2-73678630-C-A.
Other names: c.4979C>A, p.Pro1660Gln (NM_015120.4); short protein forms P1660Q, P1659Q.
Identifiers: ClinVar variation 529389 (VCV000529389.14), dbSNP rs199520788, ClinGen allele CA1713804.
Genomic context (GRCh38, chr2:73,451,503, plus strand): 5'-AAGAGGTTGTGAAAGTTTCAGCTGCTCCTGGACCAGCTGACCAGAAGACTGAGACATTAC[C>A]AGTACATTCTACTAGCTACTCAAATAGGGGGAAGCCTGTCATTTTCTACCAGCAGACCCT-3'
Protein context (NP_001365383.1, residues 1649-1669): GPADQKTETL[Pro1659Gln]VHSTSYSNRG